The following is an entry in ClinVar:

NM_000397.4(CYBB):c.1681G>C (p.Val561Leu)

Gene: CYBB (cytochrome b-245 beta chain; plus strand). Cytogenetic location: Xp11.4.
Variant type: single nucleotide variant.
Coding change: c.1681G>C on transcript NM_000397.4 (MANE Select); coding-DNA position 1681, G replaced by C.
Protein change: p.Val561Leu; replaces valine 561 with leucine.
Molecular consequence: missense variant.
Genome position (GRCh38, 1-based): chrX:37,810,885, G>C. VCF-style: chrX-37810885-G-C. GRCh37 (hg19) VCF-style: chrX-37670138-G-C.
Other names: short protein forms V561L.
Identifiers: ClinVar variation 1408434 (VCV001408434.5), dbSNP rs766756667, ClinGen allele CA10383935.
Genomic context (GRCh38, chrX:37,810,885, plus strand): 5'-GCCTTGGCTGAAACCCTGAGTAAACAAAGCATCTCCAACTCTGAGTCTGGCCCTCGGGGA[G>C]TGCATTTCATTTTCAACAAGGAAAACTTCTAACTTGTCTCTTCCATGAGGAAATAAATGT-3'
Protein context (NP_000388.2, residues 551-570): ISNSESGPRG[Val561Leu]HFIFNKENF

ClinVar aggregate classification (germline): Uncertain significance (1 of 4 stars; one submission).

Conditions:
Granulomatous disease, chronic, X-linked. Also called: CYTOCHROME b-NEGATIVE GRANULOMATOUS DISEASE, CHRONIC, X-LINKED; GRANULOMATOUS DISEASE, CHRONIC, X-LINKED, SOMATIC MOSAIC. Identifiers: Orphanet 379, MedGen C1844376, MONDO:0010600, OMIM 306400.

gnomAD v4.1: 9 of 1,208,625 alleles (0.00074%); highest among the groups gnomAD compares: Non-Finnish European, 0.001%; no homozygotes.

Submission:

Labcorp Genetics (formerly Invitae), Labcorp
Classification: Uncertain significance for Granulomatous disease, chronic, X-linked. Last evaluated: 2021-08-20. Review status: criteria provided, single submitter. Criteria: Invitae Variant Classification Sherloc (09022015). Collection method: clinical testing. Allele origin: germline.
Comment: This sequence change replaces valine with leucine at codon 561 of the CYBB protein (p.Val561Leu). The valine residue is highly conserved and there is a small physicochemical difference between valine and leucine. This variant is present in population databases (rs766756667, ExAC 0.007%). This variant has not been reported in the literature in individuals affected with CYBB-related conditions. Algorithms developed to predict the effect of missense changes on protein structure and function are either unavailable or do not agree on the potential impact of this missense change (SIFT: "Deleterious"; PolyPhen-2: "Benign"; Align-GVGD: "Class C0"). In summary, the available evidence is currently insufficient to determine the role of this variant in disease. Therefore, it has been classified as a Variant of Uncertain Significance.